The following is an entry in ClinVar:

NM_001363711.2(DUOX2):c.1382C>T (p.Pro461Leu)

Gene: DUOX2 (dual oxidase 2; minus strand). Cytogenetic location: 15q21.1.
Variant type: single nucleotide variant.
Coding change: c.1382C>T on transcript NM_001363711.2 (MANE Select); coding-DNA position 1382, C replaced by T.
Protein change: p.Pro461Leu; replaces proline 461 with leucine.
Molecular consequence: missense variant.
Genome position (GRCh38, 1-based): chr15:45,108,805, G>A on the plus strand (C>T on the coding strand, the complement: DUOX2 is on the minus strand). VCF-style: chr15-45108805-G-A. GRCh37 (hg19) VCF-style: chr15-45401003-G-A.
Other names: c.1382C>T, p.Pro461Leu (NM_014080.5); short protein forms P461L.
Identifiers: ClinVar variation 3665501 (VCV003665501.2).

ClinVar aggregate classification (germline): Uncertain significance (1 of 4 stars; one submission).

Submission:

Labcorp Genetics (formerly Invitae), Labcorp
Classification: Uncertain significance. Last evaluated: 2024-10-06. Review status: criteria provided, single submitter. Criteria: Invitae Variant Classification Sherloc (09022015). Collection method: clinical testing. Allele origin: germline.
Comment: This sequence change replaces proline, which is neutral and non-polar, with leucine, which is neutral and non-polar, at codon 461 of the DUOX2 protein (p.Pro461Leu). This variant is not present in population databases (gnomAD no frequency). This variant has not been reported in the literature in individuals affected with DUOX2-related conditions. Invitae Evidence Modeling of protein sequence and biophysical properties (such as structural, functional, and spatial information, amino acid conservation, physicochemical variation, residue mobility, and thermodynamic stability) indicates that this missense variant is not expected to disrupt DUOX2 protein function with a negative predictive value of 80%. In summary, the available evidence is currently insufficient to determine the role of this variant in disease. Therefore, it has been classified as a Variant of Uncertain Significance.